The following is an entry in ClinVar:

NM_206933.4(USH2A):c.2261C>T (p.Ser754Leu)

Gene: USH2A (usherin; minus strand). Cytogenetic location: 1q41.
Variant type: single nucleotide variant.
Coding change: c.2261C>T on transcript NM_206933.4 (MANE Select); coding-DNA position 2261, C replaced by T.
Protein change: p.Ser754Leu; replaces serine 754 with leucine.
Molecular consequence: missense variant.
Genome position (GRCh38, 1-based): chr1:216,247,133, G>A on the plus strand (C>T on the coding strand, the complement: USH2A is on the minus strand). VCF-style: chr1-216247133-G-A. GRCh37 (hg19) VCF-style: chr1-216420475-G-A.
Other names: c.2261C>T, p.Ser754Leu (NM_007123.6); short protein forms S754L.
Identifiers: ClinVar variation 1990676 (VCV001990676.1), dbSNP rs2528163586, ClinGen allele CA344865358.

ClinVar aggregate classification (germline): Uncertain significance (1 of 4 stars; one submission).

Allele frequency attached by ClinVar (database versions not stated): gnomAD exomes below 0.00001.
gnomAD v4.1: 2 of 1,614,008 alleles (0.00012%); highest among the groups gnomAD compares: Non-Finnish European, 0.00017%; no homozygotes.

Submission:

Labcorp Genetics (formerly Invitae), Labcorp
Classification: Uncertain significance. Last evaluated: 2022-03-12. Review status: criteria provided, single submitter. Criteria: Invitae Variant Classification Sherloc (09022015). Collection method: clinical testing. Allele origin: germline.
Comment: This sequence change replaces serine, which is neutral and polar, with leucine, which is neutral and non-polar, at codon 754 of the USH2A protein (p.Ser754Leu). This variant is not present in population databases (gnomAD no frequency). This variant has not been reported in the literature in individuals affected with USH2A-related conditions. Algorithms developed to predict the effect of missense changes on protein structure and function (SIFT, PolyPhen-2, Align-GVGD) all suggest that this variant is likely to be disruptive. In summary, the available evidence is currently insufficient to determine the role of this variant in disease. Therefore, it has been classified as a Variant of Uncertain Significance.